The following is an entry in ClinVar:

ClinVar aggregate classification (germline): Uncertain significance. Review status: criteria provided, multiple submitters, no conflicts (2 of 4 stars). 2 submissions from 2 submitters: Uncertain significance (2). Last evaluated 2024-10-18.

Conditions:
Cardiovascular phenotype. Identifiers: MedGen CN230736.
Hypertrophic cardiomyopathy. Also called: HYPERTROPHIC MYOCARDIOPATHY. Identifiers: Orphanet 217569, MedGen C0007194, MeSH D002312, MONDO:0005045, HP:0001639.

gnomAD v4.1: 1 of 1,592,064 alleles (0.000063%); highest among the groups gnomAD compares: African/African-American, 0.0013%; no homozygotes.

Submissions (2):

Labcorp Genetics (formerly Invitae), Labcorp
Classification: Uncertain significance for Hypertrophic cardiomyopathy. Last evaluated: 2024-10-18. Review status: criteria provided, single submitter. Criteria: Invitae Variant Classification Sherloc (09022015). Collection method: clinical testing. Allele origin: germline.
Comment: This sequence change replaces threonine, which is neutral and polar, with lysine, which is basic and polar, at codon 608 of the JPH2 protein (p.Thr608Lys). This variant is not present in population databases (gnomAD no frequency). This variant has not been reported in the literature in individuals affected with JPH2-related conditions. ClinVar contains an entry for this variant (Variation ID: 946483). An algorithm developed to predict the effect of missense changes on protein structure and function (PolyPhen-2) suggests that this variant is likely to be tolerated. In summary, the available evidence is currently insufficient to determine the role of this variant in disease. Therefore, it has been classified as a Variant of Uncertain Significance.

Ambry Genetics
Classification: Uncertain significance for Cardiovascular phenotype. Last evaluated: 2021-01-21. Review status: criteria provided, single submitter. Criteria: Ambry Variant Classification Scheme 2023. Collection method: clinical testing. Allele origin: germline.
Comment: The p.T608K variant (also known as c.1823C>A), located in coding exon 4 of the JPH2 gene, results from a C to A substitution at nucleotide position 1823. The threonine at codon 608 is replaced by lysine, an amino acid with similar properties. This amino acid position is poorly conserved in available vertebrate species. In addition, this alteration is predicted to be tolerated by in silico analysis. Since supporting evidence is limited at this time, the clinical significance of this alteration remains unclear.

NM_020433.5(JPH2):c.1823C>A (p.Thr608Lys)

Gene: JPH2 (junctophilin 2; minus strand). Cytogenetic location: 20q13.12.
Variant type: single nucleotide variant.
Coding change: c.1823C>A on transcript NM_020433.5 (MANE Select); coding-DNA position 1823, C replaced by A.
Protein change: p.Thr608Lys; replaces threonine 608 with lysine.
Molecular consequence: missense variant.
Genome position (GRCh38, 1-based): chr20:44,115,852, G>T on the plus strand (C>A on the coding strand, the complement: JPH2 is on the minus strand). VCF-style: chr20-44115852-G-T. GRCh37 (hg19) VCF-style: chr20-42744492-G-T.
Other names: short protein forms T608K.
Identifiers: ClinVar variation 946483 (VCV000946483.9), dbSNP rs750776027, ClinGen allele CA409099860.